The following is an entry in ClinVar:

NM_007315.4(STAT1):c.2060-15T>C

Gene: STAT1 (signal transducer and activator of transcription 1; minus strand). Cytogenetic location: 2q32.2.
Variant type: single nucleotide variant.
Coding change: c.2060-15T>C on transcript NM_007315.4 (MANE Select); 15 bases into the intron before coding-DNA position 2060, T replaced by C.
Molecular consequence: intron variant. On other transcripts: missense variant (1).
Genome position (GRCh38, 1-based): chr2:190,975,902, A>G on the plus strand (T>C on the coding strand, the complement: STAT1 is on the minus strand). VCF-style: chr2-190975902-A-G. GRCh37 (hg19) VCF-style: chr2-191840628-A-G.
Other names: c.2069T>C, p.Met690Thr (NM_001384886.1); c.2060-15T>C (NM_001437284.1, NM_001384889.1, NM_139266.3); c.1970-15T>C (NM_001384890.1); c.1961-15T>C (NM_001384883.1); c.1901-15T>C (NM_001384885.1); c.1967-15T>C (NM_001384887.1); c.2000-15T>C (NM_001384880.1); c.2030-15T>C (NM_001384888.1); and 4 more; short protein forms M690T.
Identifiers: ClinVar variation 4794290 (VCV004794290.1).

ClinVar aggregate classification (germline): Uncertain significance (1 of 4 stars; one submission).

Conditions:
Autoimmune enteropathy and endocrinopathy - susceptibility to chronic infections syndrome. Also called: Immunodeficiency 31C, autosomal dominant; Immunodeficiency 31C. Identifiers: Orphanet 391487, MedGen C3279990, MONDO:0013599, OMIM 614162.
Immunodeficiency 31B. Also called: STAT1 DEFICIENCY, AUTOSOMAL RECESSIVE; IMMUNODEFICIENCY 31B, MYCOBACTERIAL AND VIRAL INFECTIONS, AUTOSOMAL RECESSIVE. Identifiers: Orphanet 391311, MedGen C3151088, MONDO:0013427, OMIM 613796.
Mendelian susceptibility to mycobacterial diseases due to partial STAT1 deficiency. Also called: IMMUNODEFICIENCY 31A, MYCOBACTERIOSIS, AUTOSOMAL DOMINANT; STAT1 DEFICIENCY, AUTOSOMAL DOMINANT; Immunodeficiency 31a. Identifiers: Orphanet 319595, MedGen C4013950, MONDO:0013956, OMIM 614892.

gnomAD v4.1: 1 of 1,602,194 alleles (0.000062%); no homozygotes.

Submission:

Labcorp Genetics (formerly Invitae), Labcorp
Classification: Uncertain significance for Mendelian susceptibility to mycobacterial diseases due to partial STAT1 deficiency; Immunodeficiency 31B; Autoimmune enteropathy and endocrinopathy - susceptibility to chronic infections syndrome. Last evaluated: 2025-04-23. Review status: criteria provided, single submitter. Criteria: Invitae Variant Classification Sherloc (09022015). Collection method: clinical testing. Allele origin: germline.
Comment: This sequence change falls in intron 22 of the STAT1 gene. It does not directly change the encoded amino acid sequence of the STAT1 protein. This variant is not present in population databases (gnomAD no frequency). This variant has not been reported in the literature in individuals affected with STAT1-related conditions. Algorithms developed to predict the effect of sequence changes on RNA splicing suggest that this variant may disrupt the consensus splice site. In summary, the available evidence is currently insufficient to determine the role of this variant in disease. Therefore, it has been classified as a Variant of Uncertain Significance.